The following is an entry in ClinVar:

NM_000203.5(IDUA):c.355del (p.Asp119fs)

Gene: IDUA (alpha-L-iduronidase; plus strand). Cytogenetic location: 4p16.3.
Variant type: Deletion.
Coding change: c.355del on transcript NM_000203.5 (MANE Select); coding-DNA position 355, one base deleted (G; older notation c.355delG).
Protein change: p.Asp119fs; shifts the reading frame from aspartic acid 119.
Molecular consequence: frameshift variant. On other transcripts: 5 prime UTR variant (1), non-coding transcript variant (1).
Genome position (GRCh38, 1-based): chr4:1,000,667, G deleted; the last of 2 consecutive G bases (chr4:1,000,666-1,000,667); deleting either gives the same sequence. VCF-style (leftmost placement, unchanged base first): chr4-1000665-TG-T. GRCh37 (hg19) VCF-style: chr4-994453-TG-T.
Other names: c.-42del (NM_001363576.1); short protein forms D119fs.
Identifiers: ClinVar variation 1725617 (VCV001725617.2), dbSNP rs2534077519, ClinGen allele CA2580070645.

ClinVar aggregate classification (germline): Likely pathogenic (1 of 4 stars; one submission).

Conditions:
Mucopolysaccharidosis, MPS-I-H/S. Also called: Mucopolysaccharidosis type IH/S. Identifiers: Orphanet 93476, MedGen C0086431, MONDO:0011759, OMIM 607015.

Submission:

Myriad Genetics, Inc.
Classification: Likely pathogenic for Mucopolysaccharidosis, MPS-I-H/S. Last evaluated: 2022-03-30. Review status: criteria provided, single submitter. Criteria: Myriad Women's Health Autosomal Recessive and X-Linked Classification Criteria (2021). Collection method: clinical testing. Allele origin: unknown.
Comment: NM_000203.3(IDUA):c.355delG(D119Tfs*14) is expected to be pathogenic in the context of mucopolysaccharidosis type I. This variant is predicted to lead to an abnormal or absent protein product due to the creation of a premature termination codon in IDUA, a gene where loss-of-function variants are known to be pathogenic. Please note: this variant was assessed in the context of healthy population screening.